The following is an entry in ClinVar:

ClinVar aggregate classification (germline): Benign/Likely benign. Review status: criteria provided, multiple submitters, no conflicts (2 of 4 stars). 6 submissions from 6 submitters: Benign (2); Likely benign (1). 3 of the submissions do not count toward it. Last evaluated 2026-01-21.

Conditions:
Palmoplantar keratoderma-esophageal carcinoma syndrome (TOC). Also called: Tylosis with Esophageal Cancer; KERATOSIS PALMARIS ET PLANTARIS WITH ESOPHAGEAL CANCER; PALMOPLANTAR KERATODERMA WITH ESOPHAGEAL CANCER. Identifiers: Orphanet 2198, MedGen C1835664, MONDO:0007856, OMIM 148500.
RHBDF2-related disorder. Also called: RHBDF2-related condition.

Allele frequency attached by ClinVar (database versions not stated): 1000 Genomes Project 30x 0.00031; 1000 Genomes Project 0.00040; TOPMed 0.00085; gnomAD exomes 0.00109 and 0.00182; ESP Exome Variant Server 0.00115; gnomAD 0.00116 and 0.00121; ExAC 0.00130.
gnomAD v4.1: 2,795 of 1,613,948 alleles (0.17%); highest among the groups gnomAD compares: Non-Finnish European, 0.21%; 6 homozygotes.

Submissions (6):

Labcorp Genetics (formerly Invitae), Labcorp
Classification: Benign. Last evaluated: 2026-01-21. Review status: criteria provided, single submitter. Criteria: Invitae Variant Classification Sherloc (09022015). Collection method: clinical testing. Allele origin: germline.

Blueprint Genetics
Classification: Likely benign. Last evaluated: 2024-11-27. Review status: criteria provided, single submitter. Criteria: ACMG Guidelines, 2015. Collection method: clinical testing. Allele origin: germline.

Illumina Laboratory Services, Illumina
Classification: Benign for Palmoplantar keratoderma-esophageal carcinoma syndrome. Last evaluated: 2018-01-13. Review status: criteria provided, single submitter. Criteria: ICSL Variant Classification Criteria 13 December 2019. Collection method: clinical testing. Allele origin: germline.
Comment: This variant was observed in the ICSL laboratory as part of a predisposition screen in an ostensibly healthy population. It had not been previously curated by ICSL or reported in the Human Gene Mutation Database (HGMD: prior to June 1st, 2018), and was therefore a candidate for classification through an automated scoring system. Utilizing variant allele frequency, disease prevalence and penetrance estimates, and inheritance mode, an automated score was calculated to assess if this variant is too frequent to cause the disease. Based on the score and internal cut-off values, a variant classified as benign is not then subjected to further curation. The score for this variant resulted in a classification of benign for this disease.

PreventionGenetics, part of Exact Sciences
Classification: Likely benign for RHBDF2-related condition. Last evaluated: 2019-06-06. Review status: no assertion criteria provided. Collection method: clinical testing. Allele origin: germline. Not counted in ClinVar's aggregate classification.
Comment: This variant is classified as likely benign based on ACMG/AMP sequence variant interpretation guidelines (Richards et al. 2015 PMID: 25741868, with internal and published modifications).

Genome Diagnostics Laboratory, Amsterdam University Medical Center
Classification: Likely benign. Review status: no assertion criteria provided. Collection method: clinical testing. Allele origin: germline. Affected: yes. Study: VKGL Data-share Consensus. Not counted in ClinVar's aggregate classification.

Genome Diagnostics Laboratory, University Medical Center Utrecht
Classification: Likely benign. Review status: no assertion criteria provided. Collection method: clinical testing. Allele origin: germline. Affected: yes. Study: VKGL Data-share Consensus. Not counted in ClinVar's aggregate classification.

NM_001005498.4(RHBDF2):c.2064+7A>G

Gene: RHBDF2 (rhomboid 5 homolog 2; minus strand). Cytogenetic location: 17q25.1.
Variant type: single nucleotide variant.
Coding change: c.2064+7A>G on transcript NM_001005498.4 (MANE Select); 7 bases into the intron after coding-DNA position 2064, A replaced by G.
Molecular consequence: intron variant.
Genome position (GRCh38, 1-based): chr17:76,472,679, T>C on the plus strand (A>G on the coding strand, the complement: RHBDF2 is on the minus strand). VCF-style: chr17-76472679-T-C. GRCh37 (hg19) VCF-style: chr17-74468761-T-C.
Other names: c.2151+7A>G (NM_024599.5); c.2064+7A>G (NM_001376230.1, NM_001376228.1, NM_001376229.1).
Identifiers: ClinVar variation 888694 (VCV000888694.16), dbSNP rs201734337, ClinGen allele CA8786779.